The following is an entry in ClinVar:

ClinVar aggregate classification (germline): Uncertain significance (1 of 4 stars; one submission).

Allele frequency attached by ClinVar (database versions not stated): TOPMed below 0.00001.
gnomAD v4.1: 8 of 1,551,642 alleles (0.00052%); highest among the groups gnomAD compares: Admixed American, 0.0036%; no homozygotes.

Submission:

Labcorp Genetics (formerly Invitae), Labcorp
Classification: Uncertain significance. Last evaluated: 2025-04-25. Review status: criteria provided, single submitter. Criteria: Invitae Variant Classification Sherloc (09022015). Collection method: clinical testing. Allele origin: germline.
Comment: This sequence change replaces glycine, which is neutral and non-polar, with serine, which is neutral and polar, at codon 13 of the FOXP1 protein (p.Gly13Ser). This variant is present in population databases (no rsID available, gnomAD 0.006%). This variant has not been reported in the literature in individuals affected with FOXP1-related conditions. ClinVar contains an entry for this variant (Variation ID: 2179370). Invitae Evidence Modeling of protein sequence and biophysical properties (such as structural, functional, and spatial information, amino acid conservation, physicochemical variation, residue mobility, and thermodynamic stability) has been performed for this missense variant. However, the output from this modeling did not meet the statistical confidence thresholds required to predict the impact of this variant on FOXP1 protein function. In summary, the available evidence is currently insufficient to determine the role of this variant in disease. Therefore, it has been classified as a Variant of Uncertain Significance.

NM_001349338.3(FOXP1):c.37G>A (p.Gly13Ser)

Gene: FOXP1 (forkhead box P1; minus strand). Cytogenetic location: 3p13.
Variant type: single nucleotide variant.
Coding change: c.37G>A on transcript NM_001349338.3 (MANE Select); coding-DNA position 37, G replaced by A.
Protein change: p.Gly13Ser; replaces glycine 13 with serine.
Molecular consequence: missense variant. On other transcripts: non-coding transcript variant (2).
Genome position (GRCh38, 1-based): chr3:71,198,345, C>T on the plus strand (G>A on the coding strand, the complement: FOXP1 is on the minus strand). VCF-style: chr3-71198345-C-T. GRCh37 (hg19) VCF-style: chr3-71247496-C-T.
Other names: c.37G>A, p.Gly13Ser (NM_001012505.2, NM_001244808.3, NM_001244810.2 and 7 more transcripts); short protein forms G13S.
Identifiers: ClinVar variation 2179370 (VCV002179370.4), dbSNP rs1202112901, ClinGen allele CA353565258.